The following is an entry in ClinVar:

ClinVar aggregate classification (germline): Likely benign (0 of 4 stars; one submission).

Conditions:
MUC16-related disorder. Also called: MUC16-related condition.

Allele frequency attached by ClinVar (database versions not stated): TOPMed 0.00002; 1000 Genomes Project 30x 0.03092.

Submission:

PreventionGenetics, part of Exact Sciences
Classification: Likely benign for MUC16-related condition. Last evaluated: 2019-02-20. Review status: no assertion criteria provided. Collection method: clinical testing. Allele origin: germline.
Comment: This variant is classified as likely benign based on ACMG/AMP sequence variant interpretation guidelines (Richards et al. 2015 PMID: 25741868, with internal and published modifications).

NM_001401501.2(MUC16):c.40837-10C>T

Gene: MUC16 (mucin 16, cell surface associated; minus strand). Cytogenetic location: 19p13.2.
Variant type: single nucleotide variant.
Coding change: c.40837-10C>T on transcript NM_001401501.2 (MANE Select); 10 bases into the intron before coding-DNA position 40837, C replaced by T.
Molecular consequence: intron variant.
Genome position (GRCh38, 1-based): chr19:8,888,898, G>A on the plus strand (C>T on the coding strand, the complement: MUC16 is on the minus strand). VCF-style: chr19-8888898-G-A. GRCh37 (hg19) VCF-style: chr19-8999574-G-A.
Other names: c.41263-10C>T (NM_001414686.1); c.40717-10C>T (NM_001414687.1); c.40611-10C>T (NM_024690.2).
Identifiers: ClinVar variation 3060518 (VCV003060518.2), dbSNP rs1296809932, ClinGen allele CA631706159.